The following is an entry in ClinVar:

ClinVar aggregate classification (germline): Uncertain significance (1 of 4 stars; one submission).

Conditions:
Immunodeficiency 14 (IMD14A). Also called: p110-DELTA-ACTIVATING MUTATION CAUSING SENESCENT T CELLS, LYMPHADENOPATHY, AND IMMUNODEFICIENCY; ACTIVATED PI3K-DELTA SYNDROME 1; Activated PI3K Delta Syndrome Type 1 (APDS1); IMMUNODEFICIENCY 14A WITH LYMPHOPROLIFERATION, AUTOSOMAL DOMINANT. Identifiers: Orphanet 397596, Orphanet 693661, MedGen C5907821, MONDO:0014222, OMIM 615513.

Submission:

Labcorp Genetics (formerly Invitae), Labcorp
Classification: Uncertain significance for Activated PI3K-delta syndrome. Last evaluated: 2025-07-23. Review status: criteria provided, single submitter. Criteria: Invitae Variant Classification Sherloc (09022015). Collection method: clinical testing. Allele origin: germline.
Comment: This sequence change replaces valine, which is neutral and non-polar, with leucine, which is neutral and non-polar, at codon 483 of the PIK3CD protein (p.Val483Leu). This variant is not present in population databases (gnomAD no frequency). This variant has not been reported in the literature in individuals affected with PIK3CD-related conditions. Invitae Evidence Modeling of protein sequence and biophysical properties (such as structural, functional, and spatial information, amino acid conservation, physicochemical variation, residue mobility, and thermodynamic stability) indicates that this missense variant is not expected to disrupt PIK3CD protein function with a negative predictive value of 80%. In summary, the available evidence is currently insufficient to determine the role of this variant in disease. Therefore, it has been classified as a Variant of Uncertain Significance.

NM_005026.5(PIK3CD):c.1447G>C (p.Val483Leu)

Genes: PIK3CD (phosphatidylinositol-4,5-bisphosphate 3-kinase catalytic subunit delta; plus strand), LOC126805612 (MED14-independent group 3 enhancer GRCh37_chr1:9778914-9780113; plus strand). Cytogenetic location: 1p36.22.
Variant type: single nucleotide variant.
Coding change: c.1447G>C on transcript NM_005026.5 (MANE Select); coding-DNA position 1447, G replaced by C.
Protein change: p.Val483Leu; replaces valine 483 with leucine.
Molecular consequence: missense variant.
Genome position (GRCh38, 1-based): chr1:9,720,219, G>C. VCF-style: chr1-9720219-G-C. GRCh37 (hg19) VCF-style: chr1-9780277-G-C.
Other names: c.1447G>C, p.Val483Leu (NM_001350234.2, NM_001437546.1, NM_001437547.1 and 2 more transcripts); c.1360G>C, p.Val454Leu (NM_001350235.1); short protein forms V454L, V483L.
Identifiers: ClinVar variation 4773246 (VCV004773246.1).